The following is an entry in ClinVar:

ClinVar aggregate classification (germline): Uncertain significance (1 of 4 stars; one submission).

Allele frequency attached by ClinVar (database versions not stated): ESP Exome Variant Server 0.00015; 1000 Genomes Project 30x 0.00016; gnomAD 0.00019; 1000 Genomes Project 0.00020; ExAC 0.00021.

Submission:

Labcorp Genetics (formerly Invitae), Labcorp
Classification: Uncertain significance. Last evaluated: 2022-06-19. Review status: criteria provided, single submitter. Criteria: Invitae Variant Classification Sherloc (09022015). Collection method: clinical testing. Allele origin: germline.
Comment: This sequence change replaces arginine, which is basic and polar, with glutamine, which is neutral and polar, at codon 241 of the POP1 protein (p.Arg241Gln). This variant is present in population databases (rs148502433, gnomAD 0.03%). This variant has not been reported in the literature in individuals affected with POP1-related conditions. Algorithms developed to predict the effect of missense changes on protein structure and function output the following: SIFT: "Tolerated"; PolyPhen-2: "Benign"; Align-GVGD: "Class C0". The glutamine amino acid residue is found in multiple mammalian species, which suggests that this missense change does not adversely affect protein function. In summary, the available evidence is currently insufficient to determine the role of this variant in disease. Therefore, it has been classified as a Variant of Uncertain Significance.

NM_001145860.2(POP1):c.722G>A (p.Arg241Gln)

Gene: POP1 (POP1 homolog, ribonuclease P/MRP subunit; plus strand). Cytogenetic location: 8q22.2.
Variant type: single nucleotide variant.
Coding change: c.722G>A on transcript NM_001145860.2 (MANE Select); coding-DNA position 722, G replaced by A.
Protein change: p.Arg241Gln; replaces arginine 241 with glutamine.
Molecular consequence: missense variant.
Genome position (GRCh38, 1-based): chr8:98,130,213, G>A. VCF-style: chr8-98130213-G-A. GRCh37 (hg19) VCF-style: chr8-99142441-G-A.
Other names: c.722G>A, p.Arg241Gln (NM_001145861.2, NM_015029.3); short protein forms R241Q.
Identifiers: ClinVar variation 2059971 (VCV002059971.1), dbSNP rs148502433, ClinGen allele CA4820385.